The following is an entry in ClinVar:

ClinVar aggregate classification (germline): Uncertain significance (1 of 4 stars; one submission).

Conditions:
ITPR3-related disorder. Also called: ITPR3-related condition.

Submission:

PreventionGenetics, part of Exact Sciences
Classification: Uncertain significance for ITPR3-related condition. Last evaluated: 2026-09-14. Review status: criteria provided, single submitter. Criteria: ACMG Guidelines, 2015. Collection method: clinical testing. Allele origin: germline.
Comment: The ITPR3 c.4913G>T variant is predicted to result in the amino acid substitution p.Cys1638Phe. To our knowledge, this variant has not been reported in the literature or in a large population database (gnomAD), indicating this variant is rare. At this time, the clinical significance of this variant is uncertain due to the absence of conclusive functional and genetic evidence.

NM_002224.4(ITPR3):c.4913G>T (p.Cys1638Phe)

Gene: ITPR3 (inositol 1,4,5-trisphosphate receptor type 3; plus strand). Cytogenetic location: 6p21.31.
Variant type: single nucleotide variant.
Coding change: c.4913G>T on transcript NM_002224.4 (MANE Select); coding-DNA position 4913, G replaced by T.
Protein change: p.Cys1638Phe; replaces cysteine 1638 with phenylalanine.
Molecular consequence: missense variant.
Genome position (GRCh38, 1-based): chr6:33,684,144, G>T. VCF-style: chr6-33684144-G-T. GRCh37 (hg19) VCF-style: chr6-33651921-G-T.
Other names: short protein forms C1638F.
Identifiers: ClinVar variation 4980981 (VCV004980981.1).